The following is an entry in ClinVar:

ClinVar aggregate classification (germline): Benign. Review status: criteria provided, multiple submitters, no conflicts (2 of 4 stars). 2 submissions from 2 submitters: Benign (2). Last evaluated 2018-06-14.

Allele frequency attached by ClinVar (database versions not stated): 1000 Genomes Project 30x 0.37758; 1000 Genomes Project 0.38319; TOPMed 0.41573; gnomAD 0.42695 and 0.42712; gnomAD exomes 0.48482.
gnomAD v4.1: 576,469 of 1,208,124 alleles (48%); highest among the groups gnomAD compares: Admixed American, 61%; 144,200 homozygotes.

Submissions (2):

GeneDx
Classification: Benign. Last evaluated: 2018-06-14. Review status: criteria provided, single submitter. Criteria: GeneDx Variant Classification (06012015). Collection method: clinical testing. Allele origin: germline. Affected: yes.
Comment: This variant is considered likely benign or benign based on one or more of the following criteria: it is a conservative change, it occurs at a poorly conserved position in the protein, it is predicted to be benign by multiple in silico algorithms, and/or has population frequency not consistent with disease.

Breakthrough Genomics
Classification: Benign. Review status: criteria provided, single submitter. Criteria: ACMG Guidelines, 2015. Collection method: not provided. Allele origin: germline. Inheritance: Autosomal recessive inheritance. Affected: yes.

NM_001849.4(COL6A2):c.1572+148C>T

Gene: COL6A2 (collagen type VI alpha 2 chain; plus strand). Cytogenetic location: 21q22.3.
Variant type: single nucleotide variant.
Coding change: c.1572+148C>T on transcript NM_001849.4 (MANE Select); 148 bases into the intron after coding-DNA position 1572, C replaced by T.
Molecular consequence: intron variant.
Genome position (GRCh38, 1-based): chr21:46,122,306, C>T. VCF-style: chr21-46122306-C-T. GRCh37 (hg19) VCF-style: chr21-47542220-C-T.
Other names: c.1572+148C>T (NM_058175.3, NM_058174.3).
Identifiers: ClinVar variation 679224 (VCV000679224.2), dbSNP rs2070578, ClinGen allele CA14875501.
Genomic context (GRCh38, chr21:46,122,306, plus strand): 5'-CTCCTCTGTGCAGAAGAAAGTGTGAGGTCCCTCCTGCGGGACAGAGTGGTGAGAAGGCTT[C>T]GGGTGACTCAGTGAAGGATAGGTCCAGCCCAGCATCAGGAAAAGAGCACAGCTCAGAACG-3'